The following is an entry in ClinVar:

ClinVar aggregate classification (germline): Likely benign. Review status: criteria provided, multiple submitters, no conflicts (2 of 4 stars). 6 submissions from 6 submitters: Likely benign (6). Last evaluated 2026-07-01.

Conditions:
Inborn genetic diseases. Identifiers: MedGen C0950123, MeSH D030342.
KBG syndrome (KBGS). Also called: ANKRD11-Related KBG Syndrome. Identifiers: Orphanet 2332, MedGen C0220687, MONDO:0007846, OMIM 148050.

Allele frequency attached by ClinVar (database versions not stated): TOPMed 0.00014; ExAC 0.00015; gnomAD 0.00015 and 0.00016.
gnomAD v4.1: 173 of 1,602,720 alleles (0.011%); highest among the groups gnomAD compares: Admixed American, 0.039%; no homozygotes.

Submissions (6):

CeGaT Center for Human Genetics Tuebingen
Classification: Likely benign. Last evaluated: 2026-07-01. Review status: criteria provided, single submitter. Criteria: CeGaT Center For Human Genetics Tuebingen Variant Classification Criteria Version 2. Collection method: clinical testing. Allele origin: germline. Affected: yes. Observed: 1 variant allele.
Comment: ANKRD11: BP4, BP7

Labcorp Genetics (formerly Invitae), Labcorp
Classification: Likely benign for KBG syndrome. Last evaluated: 2026-01-24. Review status: criteria provided, single submitter. Criteria: Invitae Variant Classification Sherloc (09022015). Collection method: clinical testing. Allele origin: germline.

Blueprint Genetics
Classification: Likely benign. Last evaluated: 2024-09-23. Review status: criteria provided, single submitter. Criteria: ACMG Guidelines, 2015. Collection method: clinical testing. Allele origin: germline.

GeneDx
Classification: Likely benign. Last evaluated: 2020-07-08. Review status: criteria provided, single submitter. Criteria: GeneDx Variant Classification Process June 2021. Collection method: clinical testing. Allele origin: germline. Affected: yes.

Ambry Genetics
Classification: Likely benign for Inborn genetic diseases. Last evaluated: 2017-12-18. Review status: criteria provided, single submitter. Criteria: Ambry Variant Classification Scheme 2023. Collection method: clinical testing. Allele origin: germline.

Breakthrough Genomics
Classification: Likely benign. Review status: criteria provided, single submitter. Criteria: ACMG Guidelines, 2015. Collection method: not provided. Allele origin: germline. Inheritance: Autosomal dominant inheritance. Affected: yes.

NM_013275.6(ANKRD11):c.5694G>T (p.Leu1898=)

Gene: ANKRD11 (ankyrin repeat domain 11; minus strand). Cytogenetic location: 16q24.3.
Variant type: single nucleotide variant.
Coding change: c.5694G>T on transcript NM_013275.6 (MANE Select); coding-DNA position 5694, G replaced by T.
Protein change: p.Leu1898=; no amino-acid change (leucine 1898 retained).
Molecular consequence: synonymous variant.
Genome position (GRCh38, 1-based): chr16:89,280,848, C>A on the plus strand (G>T on the coding strand, the complement: ANKRD11 is on the minus strand). VCF-style: chr16-89280848-C-A. GRCh37 (hg19) VCF-style: chr16-89347256-C-A.
Other names: c.5694G>T, p.Leu1898= (NM_001256182.2, NM_001256183.2).
Identifiers: ClinVar variation 706928 (VCV000706928.17), dbSNP rs771476134, ClinGen allele CA8241751.
Genomic context (GRCh38, chr16:89,280,848, plus strand): 5'-CTGCTGGTCCTCGGAGGTGTCCAGGTCCGGGGGAAGGGCCCCTTCGAGGGAAGGAACCAG[C>A]AGCTCGGCTCTGGGGGAAGGGGAAGGTTTTGCTTGTAAACTTGAGAAGACGCCCTCTGGA-3'
Protein context (NP_037407.4, residues 1888-1908): AKPSPSPRAE[Leu1898=]LVPSLEGALP